The following is an entry in ClinVar:

ClinVar aggregate classification (germline): Conflicting classifications of pathogenicity. Review status: criteria provided, conflicting classifications (1 of 4 stars). 11 submissions from 11 submitters: Uncertain significance (3); Benign (1); Likely benign (5). 2 of the submissions do not count toward it. Last evaluated 2026-02-01.

Conditions:
VPS13B-related disorder. Also called: VPS13B-related condition.
Intellectual disability. Also called: Intellectual functioning disability; Intellectual developmental disorder; intellectual disabilities. Identifiers: MedGen C3714756, MeSH D008607, MONDO:0001071, HP:0001249.
Inborn genetic diseases. Identifiers: MedGen C0950123, MeSH D030342.
Cohen syndrome (COH1). Also called: Cutis verticis gyrata, retinitis pigmentosa, and sensorineural deafness; PEPPER SYNDROME. Identifiers: Orphanet 193, MedGen C0265223, MONDO:0008999, OMIM 216550.

Allele frequency attached by ClinVar (database versions not stated): 1000 Genomes Project 30x 0.00016; 1000 Genomes Project 0.00020; ExAC 0.00071; gnomAD 0.00071 and 0.00074; gnomAD exomes 0.00073 and 0.00122; TOPMed 0.00076; ESP Exome Variant Server 0.00108.
gnomAD v4.1: 1,863 of 1,612,514 alleles (0.12%); highest among the groups gnomAD compares: Non-Finnish European, 0.15%; 2 homozygotes.

Submissions (11):

Labcorp Genetics (formerly Invitae), Labcorp
Classification: Likely benign for Cohen syndrome. Last evaluated: 2026-02-01. Review status: criteria provided, single submitter. Criteria: Invitae Variant Classification Sherloc (09022015). Collection method: clinical testing. Allele origin: germline.

CeGaT Center for Human Genetics Tuebingen
Classification: Likely benign. Last evaluated: 2026-01-01. Review status: criteria provided, single submitter. Criteria: CeGaT Center For Human Genetics Tuebingen Variant Classification Criteria Version 2. Collection method: clinical testing. Allele origin: germline. Affected: yes. Observed: 5 variant alleles.
Comment: VPS13B: BP4

Blueprint Genetics
Classification: Likely benign. Last evaluated: 2024-10-28. Review status: criteria provided, single submitter. Criteria: ACMG Guidelines, 2015. Collection method: clinical testing. Allele origin: germline.

St. Jude Molecular Pathology, St. Jude Children's Research Hospital
Classification: Uncertain significance for Cohen syndrome. Last evaluated: 2024-07-24. Review status: criteria provided, single submitter. Criteria: St. Jude Assertion Criteria 2020. Collection method: clinical testing. Allele origin: germline.
Comment: The VPS13B c.2704A>G (p.Lys902Glu) missense change has a maximum subpopulation frequency of 0.13% in gnomAD v2.1.1. The in silico tool REVEL predicts a benign effect on protein function, but this prediction has not been confirmed by functional studies. To our knowledge, it has not been reported in the literature in individuals with Cohen syndrome. In summary, the evidence currently available is insufficient to determine the clinical significance of this variant. It has therefore been classified as of uncertain significance.

Ambry Genetics
Classification: Likely benign for Inborn genetic diseases. Last evaluated: 2021-08-04. Review status: criteria provided, single submitter. Criteria: Ambry Variant Classification Scheme 2023. Collection method: clinical testing. Allele origin: germline.

GeneDx
Classification: Likely benign. Last evaluated: 2020-06-24. Review status: criteria provided, single submitter. Criteria: GeneDx Variant Classification Process June 2021. Collection method: clinical testing. Allele origin: germline. Affected: yes.
Comment: This variant is associated with the following publications: (PMID: no PMID)

Cambridge Genomics Laboratory, East Genomic Laboratory Hub, NHS Genomic Medicine Service
Classification: Benign for Intellectual disability. Last evaluated: 2019-04-24. Review status: criteria provided, single submitter. Criteria: ACGS Best Practice Guidelines for Variant Classification in Rare Disease 2020. Collection method: clinical testing. Allele origin: germline. Affected: yes. Observed: 1 variant allele.

Illumina Laboratory Services, Illumina
Classification: Uncertain significance for Cohen syndrome. Last evaluated: 2018-01-13. Review status: criteria provided, single submitter. Criteria: ICSL Variant Classification Criteria 13 December 2019. Collection method: clinical testing. Allele origin: germline.

Genetic Services Laboratory, University of Chicago
Classification: Uncertain significance. Last evaluated: 2017-01-09. Review status: criteria provided, single submitter. Criteria: ACMG Guidelines, 2015. Collection method: clinical testing. Allele origin: germline. Affected: no.

PreventionGenetics, part of Exact Sciences
Classification: Likely benign for VPS13B-related condition. Last evaluated: 2021-05-19. Review status: no assertion criteria provided. Collection method: clinical testing. Allele origin: germline. Not counted in ClinVar's aggregate classification.
Comment: This variant is classified as likely benign based on ACMG/AMP sequence variant interpretation guidelines (Richards et al. 2015 PMID: 25741868, with internal and published modifications).

Natera, Inc.
Classification: Benign for Cohen syndrome. Last evaluated: 2019-12-31. Review status: no assertion criteria provided. Collection method: clinical testing. Allele origin: germline. Not counted in ClinVar's aggregate classification.

NM_152564.5(VPS13B):c.2704A>G (p.Lys902Glu)

Gene: VPS13B (vacuolar protein sorting 13 homolog B; plus strand). Cytogenetic location: 8q22.2.
Variant type: single nucleotide variant.
Coding change: c.2704A>G on transcript NM_152564.5 (MANE Select); coding-DNA position 2704, A replaced by G.
Protein change: p.Lys902Glu; replaces lysine 902 with glutamic acid.
Molecular consequence: missense variant.
Genome position (GRCh38, 1-based): chr8:99,275,134, A>G. VCF-style: chr8-99275134-A-G. GRCh37 (hg19) VCF-style: chr8-100287362-A-G.
Other names: c.2704A>G, p.Lys902Glu (NM_017890.5); c.2704A>G (NM_017890.3, NM_152564.4); short protein forms K902E.
Identifiers: ClinVar variation 361047 (VCV000361047.70), dbSNP rs149531438, ClinGen allele CA4823009.